The following is an entry in ClinVar:

ClinVar aggregate classification (germline): Likely benign. Review status: criteria provided, multiple submitters, no conflicts (2 of 4 stars). 2 submissions from 2 submitters: Likely benign (2). Last evaluated 2019-07-11.

Conditions:
Inborn genetic diseases. Identifiers: MedGen C0950123, MeSH D030342.

Allele frequency attached by ClinVar (database versions not stated): gnomAD exomes below 0.00001 and 0.00002; TOPMed below 0.00001; gnomAD 0.00001.
gnomAD v4.1: 24 of 1,588,406 alleles (0.0015%); highest among the groups gnomAD compares: Non-Finnish European, 0.0021%; no homozygotes.

Submissions (2):

Ambry Genetics
Classification: Likely benign for Inborn genetic diseases. Last evaluated: 2019-07-11. Review status: criteria provided, single submitter. Criteria: Ambry Variant Classification Scheme 2023. Collection method: clinical testing. Allele origin: germline.

GeneDx
Classification: Likely benign. Last evaluated: 2017-06-19. Review status: criteria provided, single submitter. Criteria: GeneDx Variant Classification (06012015). Collection method: clinical testing. Allele origin: germline. Affected: yes.
Comment: This variant is considered likely benign or benign based on one or more of the following criteria: it is a conservative change, it occurs at a poorly conserved position in the protein, it is predicted to be benign by multiple in silico algorithms, and/or has population frequency not consistent with disease.

NM_001365536.1(SCN9A):c.2253C>T (p.Thr751=)

Genes: SCN1A-AS1 (SCN1A and SCN9A antisense RNA 1; plus strand), SCN9A (sodium voltage-gated channel alpha subunit 9; minus strand). Cytogenetic location: 2q24.3.
Variant type: single nucleotide variant.
Coding change: c.2253C>T on transcript NM_001365536.1 (MANE Select); coding-DNA position 2253, C replaced by T.
Protein change: p.Thr751=; no amino-acid change (threonine 751 retained).
Molecular consequence: synonymous variant.
Genome position (GRCh38, 1-based): chr2:166,280,447, G>A on the plus strand (C>T on the coding strand, the complement: SCN9A is on the minus strand). VCF-style: chr2-166280447-G-A. GRCh37 (hg19) VCF-style: chr2-167136957-G-A.
Other names: c.2220C>T, p.Thr740= (NM_002977.4).
Identifiers: ClinVar variation 518112 (VCV000518112.3), dbSNP rs751536693, ClinGen allele CA59796617.